The following is an entry in ClinVar:

ClinVar aggregate classification (germline): Uncertain significance (1 of 4 stars; one submission).

Submission:

GeneDx
Classification: Uncertain significance. Last evaluated: 2025-05-04. Review status: criteria provided, single submitter. Criteria: GeneDx Variant Classification Process June 2021. Collection method: clinical testing. Allele origin: germline. Affected: yes.
Comment: Not observed at significant frequency in large population cohorts (gnomAD); In silico analysis supports that this missense variant has a deleterious effect on protein structure/function; Has not been previously published as pathogenic or benign to our knowledge

NM_005257.6(GATA6):c.1426G>A (p.Gly476Arg)

Gene: GATA6 (GATA binding protein 6; plus strand). Cytogenetic location: 18q11.2.
Variant type: single nucleotide variant.
Coding change: c.1426G>A on transcript NM_005257.6 (MANE Select); coding-DNA position 1426, G replaced by A.
Protein change: p.Gly476Arg; replaces glycine 476 with arginine.
Molecular consequence: missense variant.
Genome position (GRCh38, 1-based): chr18:22,181,576, G>A. VCF-style: chr18-22181576-G-A. GRCh37 (hg19) VCF-style: chr18-19761537-G-A.
Other names: short protein forms G476R.
Identifiers: ClinVar variation 4528058 (VCV004528058.1).